The following is an entry in ClinVar:

NM_000218.3(KCNQ1):c.1394-27928A>G

Genes: KCNQ1 (potassium voltage-gated channel subfamily Q member 1; plus strand), KCNQ1OT1 (KCNQ1 opposite strand/antisense transcript 1; minus strand). Cytogenetic location: 11p15.5.
Variant type: single nucleotide variant.
Coding change: c.1394-27928A>G on transcript NM_000218.3 (MANE Select); 27928 bases into the intron before coding-DNA position 1394, A replaced by G.
Molecular consequence: intron variant.
Genome position (GRCh38, 1-based): chr11:2,634,033, A>G. VCF-style: chr11-2634033-A-G. GRCh37 (hg19) VCF-style: chr11-2655263-A-G.
Other names: c.1124-27928A>G (NM_001406837.1); c.1298-27928A>G (NM_001406836.1); c.854-27928A>G (NM_001406838.1); c.1013-27928A>G (NM_181798.2).
Identifiers: ClinVar variation 1701158 (VCV001701158.31), dbSNP rs148944644, ClinGen allele CA216147973.

ClinVar aggregate classification (germline): Likely benign (1 of 4 stars; one submission).

Allele frequency attached by ClinVar (database versions not stated): 1000 Genomes Project 30x 0.00297; 1000 Genomes Project 0.00319; TOPMed 0.00427; gnomAD 0.00494 and 0.00503; gnomAD exomes 0.00601.
gnomAD v4.1: 2,206 of 398,374 alleles (0.55%); highest among the groups gnomAD compares: Middle Eastern, 0.88%; 10 homozygotes.

Submission:

CeGaT Center for Human Genetics Tuebingen
Classification: Likely benign. Last evaluated: 2026-09-01. Review status: criteria provided, single submitter. Criteria: CeGaT Center For Human Genetics Tuebingen Variant Classification Criteria Version 2. Collection method: clinical testing. Allele origin: germline. Affected: yes. Observed: 66 variant alleles.
Comment: KCNQ1OT1: BS2